The following is an entry in ClinVar:

NM_001184880.2(PCDH19):c.3018C>T (p.Asp1006=)

Gene: PCDH19 (protocadherin 19; minus strand). Cytogenetic location: Xq22.1.
Variant type: single nucleotide variant.
Coding change: c.3018C>T on transcript NM_001184880.2 (MANE Select); coding-DNA position 3018, C replaced by T.
Protein change: p.Asp1006=; no amino-acid change (aspartic acid 1006 retained).
Molecular consequence: synonymous variant.
Genome position (GRCh38, 1-based): chrX:100,296,706, G>A on the plus strand (C>T on the coding strand, the complement: PCDH19 is on the minus strand). VCF-style: chrX-100296706-G-A. GRCh37 (hg19) VCF-style: chrX-99551704-G-A.
Other names: p.D959D:GAC>GAT; p.Asp1006=; c.2877C>T, p.Asp959= (NM_001105243.2); c.2874C>T, p.Asp958= (NM_020766.3).
Identifiers: ClinVar variation 138591 (VCV000138591.24), dbSNP rs16983426, ClinGen allele CA295135.

ClinVar aggregate classification (germline): Benign. Review status: criteria provided, multiple submitters, no conflicts (2 of 4 stars). 7 submissions from 7 submitters: Benign (7). Last evaluated 2026-02-03.

Conditions:
Inborn genetic diseases. Identifiers: MedGen C0950123, MeSH D030342.
Developmental and epileptic encephalopathy, 9 (DEE9). Also called: PCDH19-Related X-Linked Female-Limited Epilepsy with Mental Retardation; Early infantile epileptic encephalopathy 9; JUBERG-HELLMAN SYNDROME; EPILEPSY, FEMALE-RESTRICTED, WITH MENTAL RETARDATION. Identifiers: Orphanet 101039, Orphanet 2076, MedGen C1848137, MONDO:0010246, OMIM 300088. Disease mechanism: loss of function.

Allele frequency attached by ClinVar (database versions not stated): gnomAD exomes 0.00154 and 0.00433; ExAC 0.00515; gnomAD 0.01311 and 0.01400; ESP Exome Variant Server 0.01422; TOPMed 0.01537; 1000 Genomes Project 30x 0.01831; 1000 Genomes Project 0.01854.
gnomAD v4.1: 3,253 of 1,209,196 alleles (0.27%); highest among the groups gnomAD compares: African/African-American, 4.5%; 36 homozygotes.

Submissions (7):

Labcorp Genetics (formerly Invitae), Labcorp
Classification: Benign for Developmental and epileptic encephalopathy, 9. Last evaluated: 2026-02-03. Review status: criteria provided, single submitter. Criteria: Invitae Variant Classification Sherloc (09022015). Collection method: clinical testing. Allele origin: germline.

Mayo Clinic Laboratories, Mayo Clinic
Classification: Benign. Last evaluated: 2018-08-17. Review status: criteria provided, single submitter. Criteria: ACMG Guidelines, 2015. Collection method: clinical testing. Allele origin: germline. Observed: 9 variant alleles.

Athena Diagnostics
Classification: Benign. Last evaluated: 2017-09-27. Review status: criteria provided, single submitter. Criteria: Athena Diagnostics Criteria. Collection method: clinical testing. Allele origin: germline.

Ambry Genetics
Classification: Benign for Inborn genetic diseases. Last evaluated: 2016-06-27. Review status: criteria provided, single submitter. Criteria: Ambry Variant Classification Scheme 2023. Collection method: clinical testing. Allele origin: germline.

Genetic Services Laboratory, University of Chicago
Classification: Benign. Last evaluated: 2013-02-08. Review status: criteria provided, single submitter. Criteria: ACMG Guidelines, 2007. Collection method: clinical testing. Allele origin: germline. Inheritance: X-linked inheritance.

GeneDx
Classification: Benign. Last evaluated: 2012-12-19. Review status: criteria provided, single submitter. Criteria: GeneDx Variant Classification (06012015). Collection method: clinical testing. Allele origin: germline. Affected: yes.
Comment: This variant is considered likely benign or benign based on one or more of the following criteria: it is a conservative change, it occurs at a poorly conserved position in the protein, it is predicted to be benign by multiple in silico algorithms, and/or has population frequency not consistent with disease.

Breakthrough Genomics
Classification: Benign. Review status: criteria provided, single submitter. Criteria: ACMG Guidelines, 2015. Collection method: not provided. Allele origin: germline. Inheritance: X-linked inheritance. Affected: yes.

Literature cited by the submitters: PubMed 22267240 (cited by Athena Diagnostics); PubMed 19377476 (cited by Athena Diagnostics).